The following is an entry in ClinVar:

NM_001364171.2(ODAD1):c.943A>G (p.Met315Val)

Gene: ODAD1 (outer dynein arm docking complex subunit 1; minus strand). Cytogenetic location: 19q13.33.
Variant type: single nucleotide variant.
Coding change: c.943A>G on transcript NM_001364171.2 (MANE Select); coding-DNA position 943, A replaced by G.
Protein change: p.Met315Val; replaces methionine 315 with valine.
Molecular consequence: missense variant.
Genome position (GRCh38, 1-based): chr19:48,303,695, T>C on the plus strand (A>G on the coding strand, the complement: ODAD1 is on the minus strand). VCF-style: chr19-48303695-T-C. GRCh37 (hg19) VCF-style: chr19-48806952-T-C.
Other names: c.832A>G, p.Met278Val (NM_144577.4); c.832A>G (NM_144577.3); short protein forms M278V, M315V.
Identifiers: ClinVar variation 2143303 (VCV002143303.3), dbSNP rs768270947, ClinGen allele CA9548901.

ClinVar aggregate classification (germline): Uncertain significance. Review status: criteria provided, multiple submitters, no conflicts (2 of 4 stars). 2 submissions from 2 submitters: Uncertain significance (2). Last evaluated 2026-07-04.

Conditions:
Primary ciliary dyskinesia. Also called: Ciliary dyskinesia. Identifiers: Orphanet 244, MedGen C0008780, MONDO:0016575, HP:0012265.

gnomAD v4.1: 13 of 1,613,946 alleles (0.00081%); highest among the groups gnomAD compares: African/African-American, 0.0053%; no homozygotes.

Submissions (2):

Ambry Genetics
Classification: Uncertain significance for Primary ciliary dyskinesia. Last evaluated: 2026-07-04. Review status: criteria provided, single submitter. Criteria: Ambry Variant Classification Scheme 2023. Collection method: clinical testing. Allele origin: germline.
Comment: The p.M278V variant (also known as c.832A>G), located in coding exon 7 of the CCDC114 gene, results from an A to G substitution at nucleotide position 832. The methionine at codon 278 is replaced by valine, an amino acid with highly similar properties. This amino acid position is conserved. In addition, this alteration is predicted to be tolerated by in silico analysis. Based on the available evidence, the clinical significance of this variant remains unclear.

Labcorp Genetics (formerly Invitae), Labcorp
Classification: Uncertain significance for Primary ciliary dyskinesia. Last evaluated: 2022-08-05. Review status: criteria provided, single submitter. Criteria: Invitae Variant Classification Sherloc (09022015). Collection method: clinical testing. Allele origin: germline.
Comment: This sequence change replaces methionine, which is neutral and non-polar, with valine, which is neutral and non-polar, at codon 278 of the CCDC114 protein (p.Met278Val). This variant is present in population databases (rs768270947, gnomAD 0.008%). This variant has not been reported in the literature in individuals affected with CCDC114-related conditions. Algorithms developed to predict the effect of missense changes on protein structure and function (SIFT, PolyPhen-2, Align-GVGD) all suggest that this variant is likely to be tolerated. Algorithms developed to predict the effect of sequence changes on RNA splicing suggest that this variant may create or strengthen a splice site. In summary, the available evidence is currently insufficient to determine the role of this variant in disease. Therefore, it has been classified as a Variant of Uncertain Significance.